The following is an entry in ClinVar:

NM_001267550.2(TTN):c.48913_48916dup (p.Thr16306fs)

Genes: TTN (titin; minus strand), TTN-AS1 (TTN antisense RNA 1; plus strand), LOC126806426 (BRD4-independent group 4 enhancer GRCh37_chr2:179478848-179480047; plus strand). Cytogenetic location: 2q31.2.
Variant type: Duplication.
Coding change: c.48913_48916dup on transcript NM_001267550.2 (MANE Select); coding-DNA positions 48913 to 48916, 4 bases duplicated (ATTA; older notation c.48913_48916dupATTA).
Protein change: p.Thr16306fs; shifts the reading frame from threonine 16306.
Molecular consequence: frameshift variant. On other transcripts: non-coding transcript variant (1).
Genome position (GRCh38, 1-based): chr2:178,614,598-178,614,601, TAAT duplicated on the plus strand (ATTA on the coding strand, the reverse complement: TTN is on the minus strand); duplicating any 4 consecutive bases within chr2:178,614,598-178,614,602 gives the same sequence; the c. name uses the placement nearest the transcript's 3' end. VCF-style (leftmost placement, unchanged base first): chr2-178614597-G-GTAAT. GRCh37 (hg19) VCF-style: chr2-179479324-G-GTAAT.
Other names: c.43990_43993dup, p.Thr14665fs (NM_001256850.1); c.21718_21721dup, p.Thr7241fs (NM_003319.4); c.41209_41212dup, p.Thr13738fs (NM_133378.4); c.22093_22096dup, p.Thr7366fs (NM_133432.3); c.22294_22297dup, p.Thr7433fs (NM_133437.4); short protein forms T7433fs, T14665fs, T7366fs, T13738fs, T16306fs, T7241fs.
Identifiers: ClinVar variation 2004289 (VCV002004289.4), dbSNP rs2470677720, ClinGen allele CA2580065011.
Genomic context (GRCh38, chr2:178,614,597, plus strand): 5'-GTGTCACTTCTCTTACTATCAACAATAGTCACTGTGGATTTCTTAGGGACATTTTCAATG[G>GTAAT]TAATTCTTTTGTCCTGCTTCAGAATCATATCAGCCTTTGTCCAAGTTATTTTAGGTTCAG-3'

ClinVar aggregate classification (germline): Likely pathogenic (1 of 4 stars; one submission).

Conditions:
Dilated cardiomyopathy 1G (CMD1G). Identifiers: Orphanet 154, MedGen C1858763, MONDO:0011400, OMIM 604145.
Autosomal recessive limb-girdle muscular dystrophy type 2J (LGMDR10). Also called: MUSCULAR DYSTROPHY, LIMB-GIRDLE, AUTOSOMAL RECESSIVE 10; Limb-girdle muscular dystrophy, type 2J. Identifiers: Orphanet 140922, MedGen C1837342, MONDO:0012127, OMIM 608807.

Submission:

Labcorp Genetics (formerly Invitae), Labcorp
Classification: Likely pathogenic for Dilated cardiomyopathy 1G; Autosomal recessive limb-girdle muscular dystrophy type 2J. Last evaluated: 2022-11-22. Review status: criteria provided, single submitter. Criteria: Invitae Variant Classification Sherloc (09022015). Collection method: clinical testing. Allele origin: germline.
Comment: In summary, the currently available evidence indicates that the variant is pathogenic, but additional data are needed to prove that conclusively. Therefore, this variant has been classified as Likely Pathogenic. This variant is located in the A band of TTN (PMID: 25589632). Truncating variants in this region are significantly overrepresented in patients affected with dilated cardiomyopathy (PMID: 25589632). Truncating variants in this region have also been reported in individuals affected with autosomal recessive centronuclear myopathy (PMID: 23975875). This variant has not been reported in the literature in individuals affected with TTN-related conditions. This variant is not present in population databases (gnomAD no frequency). This sequence change creates a premature translational stop signal (p.Thr16306Asnfs*4) in the TTN gene. It is expected to disrupt RNA splicing and likely results in a truncated or disrupted TTN protein.

Literature cited by the submitters: PubMed 25589632; PubMed 23975875.